The following is an entry in ClinVar:

ClinVar aggregate classification (germline): Uncertain significance. Review status: criteria provided, multiple submitters, no conflicts (2 of 4 stars). 2 submissions from 2 submitters: Uncertain significance (2). Last evaluated 2024-02-17.

Conditions:
Hereditary cancer-predisposing syndrome. Also called: Neoplastic Syndromes, Hereditary; Tumor predisposition; Hereditary neoplastic syndrome; Hereditary Cancer Syndrome. Identifiers: Orphanet 140162, MedGen C0027672, MeSH D009386, MONDO:0015356.

Submissions (2):

Labcorp Genetics (formerly Invitae), Labcorp
Classification: Uncertain significance for Hereditary cancer-predisposing syndrome. Last evaluated: 2024-02-17. Review status: criteria provided, single submitter. Criteria: Invitae Variant Classification Sherloc (09022015). Collection method: clinical testing. Allele origin: germline.
Comment: This sequence change replaces lysine, which is basic and polar, with methionine, which is neutral and non-polar, at codon 765 of the RAD50 protein (p.Lys765Met). This variant is not present in population databases (gnomAD no frequency). This variant has not been reported in the literature in individuals affected with RAD50-related conditions. ClinVar contains an entry for this variant (Variation ID: 579530). Advanced modeling of protein sequence and biophysical properties (such as structural, functional, and spatial information, amino acid conservation, physicochemical variation, residue mobility, and thermodynamic stability) performed at Invitae indicates that this missense variant is expected to disrupt RAD50 protein function with a positive predictive value of 80%. In summary, the available evidence is currently insufficient to determine the role of this variant in disease. Therefore, it has been classified as a Variant of Uncertain Significance.

Ambry Genetics
Classification: Uncertain significance for Hereditary cancer-predisposing syndrome. Last evaluated: 2023-09-16. Review status: criteria provided, single submitter. Criteria: Ambry Variant Classification Scheme 2023. Collection method: clinical testing. Allele origin: germline.
Comment: The p.K765M variant (also known as c.2294A>T), located in coding exon 14 of the RAD50 gene, results from an A to T substitution at nucleotide position 2294. The lysine at codon 765 is replaced by methionine, an amino acid with similar properties. This amino acid position is highly conserved in available vertebrate species. In addition, the in silico prediction for this alteration is inconclusive. Since supporting evidence is limited at this time, the clinical significance of this alteration remains unclear.

NM_005732.4(RAD50):c.2294A>T (p.Lys765Met)

Gene: RAD50 (RAD50 double strand break repair protein; plus strand). Cytogenetic location: 5q31.1.
Variant type: single nucleotide variant.
Coding change: c.2294A>T on transcript NM_005732.4 (MANE Select); coding-DNA position 2294, A replaced by T.
Protein change: p.Lys765Met; replaces lysine 765 with methionine.
Molecular consequence: missense variant.
Genome position (GRCh38, 1-based): chr5:132,603,386, A>T. VCF-style: chr5-132603386-A-T. GRCh37 (hg19) VCF-style: chr5-131939078-A-T.
Other names: short protein forms K765M.
Identifiers: ClinVar variation 579530 (VCV000579530.13), dbSNP rs587782573, ClinGen allele CA360954396.
Genomic context (GRCh38, chr5:132,603,386, plus strand): 5'-AGGAAATACCAGAATTAAGAAACAAACTGCAGAATGTCAATAGAGACATACAGCGCCTAA[A>T]GAACGACATAGAAGAACAAGAAACACTCTTGGGTACAATAATGCCTGAAGAAGAAAGTGC-3'
Protein context (NP_005723.2, residues 755-775): QNVNRDIQRL[Lys765Met]NDIEEQETLL